The following is an entry in ClinVar:

ClinVar aggregate classification (germline): Uncertain significance. Review status: criteria provided, multiple submitters, no conflicts (2 of 4 stars). 2 submissions from 2 submitters: Uncertain significance (2). Last evaluated 2024-09-16.

Conditions:
Breast-ovarian cancer, familial, susceptibility to, 1 (BROVCA1). Also called: BRCA1 Hereditary Breast and Ovarian Cancer; OVARIAN CANCER, SUSCEPTIBILITY TO. Identifiers: Orphanet 145, MedGen C2676676, MONDO:0011450, OMIM 604370. Disease mechanism: loss of function.
Hereditary breast ovarian cancer syndrome. Also called: Hereditary breast and ovarian cancer syndrome (HBOC); Breast and ovarian cancer; Hereditary breast and/or ovarian cancer syndrome; Hereditary breast and ovarian cancer syndrome; BRCA1- and BRCA2-Associated Hereditary Breast and Ovarian Cancer; Hereditary breast and ovarian cancer. Identifiers: Orphanet 145, MedGen C0677776, MeSH D061325, MONDO:0003582. Disease mechanism: loss of function.

Submissions (2):

Labcorp Genetics (formerly Invitae), Labcorp
Classification: Uncertain significance for Hereditary breast ovarian cancer syndrome. Last evaluated: 2024-09-16. Review status: criteria provided, single submitter. Criteria: Invitae Variant Classification Sherloc (09022015). Collection method: clinical testing. Allele origin: germline.
Comment: This sequence change replaces aspartic acid, which is acidic and polar, with valine, which is neutral and non-polar, at codon 1533 of the BRCA1 protein (p.Asp1533Val). This variant is not present in population databases (gnomAD no frequency). This variant has not been reported in the literature in individuals affected with BRCA1-related conditions. ClinVar contains an entry for this variant (Variation ID: 2584874). Invitae Evidence Modeling of protein sequence and biophysical properties (such as structural, functional, and spatial information, amino acid conservation, physicochemical variation, residue mobility, and thermodynamic stability) indicates that this missense variant is not expected to disrupt BRCA1 protein function with a negative predictive value of 95%. In summary, the available evidence is currently insufficient to determine the role of this variant in disease. Therefore, it has been classified as a Variant of Uncertain Significance.

Neuberg Centre For Genomic Medicine, NCGM
Classification: Uncertain significance for Breast-ovarian cancer, familial, susceptibility to, 1. Review status: criteria provided, single submitter. Criteria: ACMG Guidelines, 2015. Collection method: clinical testing. Allele origin: germline. Inheritance: Autosomal dominant inheritance. Affected: yes.
Comment: The c.4598A>T (p.Asp1533Val) missense variant in BRCA1 gene has not been reported previously as a pathogenic variant nor as a benign variant, to our knowledge. The p.Asp1533Val variant is novel (not in any individuals) in gnomAD Exomes and 1000 Genomes. The amino acid Asp at position 1533 is changed to a Val changing protein sequence and it might alter its composition and physico-chemical properties. For these reasons, this variant has been classified as Variant of Uncertain Significance (VUS).

NM_007294.4(BRCA1):c.4598A>T (p.Asp1533Val)

Gene: BRCA1 (BRCA1 DNA repair associated; minus strand). Cytogenetic location: 17q21.31.
Variant type: single nucleotide variant.
Coding change: c.4598A>T on transcript NM_007294.4 (MANE Select); coding-DNA position 4598, A replaced by T.
Protein change: p.Asp1533Val; replaces aspartic acid 1533 with valine.
Molecular consequence: missense variant. On other transcripts: intron variant (3).
Genome position (GRCh38, 1-based): chr17:43,074,408, T>A on the plus strand (A>T on the coding strand, the complement: BRCA1 is on the minus strand). VCF-style: chr17-43074408-T-A. GRCh37 (hg19) VCF-style: chr17-41226425-T-A.
Other names: c.4217A>T, p.Asp1406Val (NM_001407959.1); c.4214A>T, p.Asp1405Val (NM_001407960.1, NM_001407962.1); c.4211A>T, p.Asp1404Val (NM_001407963.1); c.4091A>T, p.Asp1364Val (NM_001407965.1); c.3710A>T, p.Asp1237Val (NM_001407966.1); c.4385A>T, p.Asp1462Val (NM_001407571.1, NM_001407894.1, NM_001407895.1 and 12 more transcripts); c.4664A>T, p.Asp1555Val (NM_001407581.1, NM_001407582.1); c.4661A>T, p.Asp1554Val (NM_001407583.1, NM_001407585.1, NM_001407587.1 and 1 more transcripts); and 71 more; short protein forms D1236V, D1237V, D1364V, D1406V, D1420V, D1462V, D1484V, D1485V.
Identifiers: ClinVar variation 2584874 (VCV002584874.3), dbSNP rs2551470683, ClinGen allele CA10592316.